The following is an entry in ClinVar:

ClinVar aggregate classification (germline): Likely benign. Review status: criteria provided, multiple submitters, no conflicts (2 of 4 stars). 2 submissions from 2 submitters: Likely benign (2). Last evaluated 2026-07-01.

Allele frequency attached by ClinVar (database versions not stated): 1000 Genomes Project 0.00160; ESP Exome Variant Server 0.00212; TOPMed 0.00216; 1000 Genomes Project 30x 0.00219; gnomAD 0.00238; ExAC 0.00336; gnomAD exomes 0.00384.
gnomAD v4.1: 5,923 of 1,613,774 alleles (0.37%); highest among the groups gnomAD compares: Non-Finnish European, 0.43%; 16 homozygotes.

Submissions (6):

CeGaT Center for Human Genetics Tuebingen
Classification: Likely benign. Last evaluated: 2026-07-01. Review status: criteria provided, single submitter. Criteria: CeGaT Center For Human Genetics Tuebingen Variant Classification Criteria Version 2. Collection method: clinical testing. Allele origin: germline. Affected: yes. Observed: 9 variant alleles.
Comment: HYDIN: BP4, BS2

Blueprint Genetics
Classification: Likely benign. Last evaluated: 2024-11-27. Review status: criteria provided, single submitter. Criteria: ACMG Guidelines, 2015. Collection method: clinical testing. Allele origin: germline.

Dr. Peter K. Rogan Lab, Western University
No classification provided (evidence only). Condition: Clear cell carcinoma of kidney. Review status: no classification provided. Collection method: in vitro. Allele origin: not applicable. Functional consequence: retained intron. Not counted in ClinVar's aggregate classification.

Dr. Peter K. Rogan Lab, Western University
No classification provided (evidence only). Condition: Clear cell carcinoma of kidney. Review status: no classification provided. Collection method: in vitro. Allele origin: not applicable. Functional consequence: retained intron. Not counted in ClinVar's aggregate classification.

Dr. Peter K. Rogan Lab, Western University
No classification provided (evidence only). Condition: Thyroid cancer, nonmedullary, 1. Review status: no classification provided. Collection method: in vitro. Allele origin: not applicable. Functional consequence: retained intron. Not counted in ClinVar's aggregate classification.

Dr. Peter K. Rogan Lab, Western University
No classification provided (evidence only). Condition: Uterine corpus endometrial carcinoma. Review status: no classification provided. Collection method: in vitro. Allele origin: not applicable. Functional consequence: retained intron. Not counted in ClinVar's aggregate classification.

NM_001270974.2(HYDIN):c.3291A>G (p.Ile1097Met)

Gene: HYDIN (HYDIN axonemal central pair apparatus protein; minus strand). Cytogenetic location: 16q22.2.
Variant type: single nucleotide variant.
Coding change: c.3291A>G on transcript NM_001270974.2 (MANE Select); coding-DNA position 3291, A replaced by G.
Protein change: p.Ile1097Met; replaces isoleucine 1097 with methionine.
Molecular consequence: missense variant.
Genome position (GRCh38, 1-based): chr16:71,020,213, T>C on the plus strand (A>G on the coding strand, the complement: HYDIN is on the minus strand). VCF-style: chr16-71020213-T-C. GRCh37 (hg19) VCF-style: chr16-71054116-T-C.
Other names: NC_000016.9:g.71054116T>C; short protein forms I1097M.
Identifiers: ClinVar variation 2646781 (VCV002646781.26), dbSNP rs183427172, ClinGen allele CA8150924.
Genomic context (GRCh38, chr16:71,020,213, plus strand): 5'-AACAGACCCCTATTAAGGTACCTCAGGAGTTGCCGGCAGCAGGGATTTATCAGTCTCACA[T>C]ATAAAGAAGGGTCCAGATGTTGACAGCAACAAGTTCACGGGCAGGGTGGAAATGTTCTTT-3'
Protein context (NP_001257903.1, residues 1087-1107): LLLSTSGPFF[Ile1097Met]CETDKSLLPA